The following is an entry in ClinVar:

ClinVar aggregate classification (germline): Conflicting classifications of pathogenicity. Review status: criteria provided, conflicting classifications (1 of 4 stars). 2 submissions from 2 submitters: Uncertain significance (1); Likely benign (1). Last evaluated 2023-03-23.

Conditions:
Hereditary cancer-predisposing syndrome. Also called: Neoplastic Syndromes, Hereditary; Tumor predisposition; Hereditary neoplastic syndrome; Hereditary Cancer Syndrome. Identifiers: Orphanet 140162, MedGen C0027672, MeSH D009386, MONDO:0015356.
Hereditary breast ovarian cancer syndrome. Also called: Hereditary breast and ovarian cancer; Hereditary breast and/or ovarian cancer syndrome; BRCA1- and BRCA2-Associated Hereditary Breast and Ovarian Cancer; Hereditary breast and ovarian cancer syndrome; Hereditary breast and ovarian cancer syndrome (HBOC); Breast and ovarian cancer. Identifiers: Orphanet 145, MedGen C0677776, MeSH D061325, MONDO:0003582. Disease mechanism: loss of function.

Submissions (2):

University of Washington Department of Laboratory Medicine, University of Washington
Classification: Likely benign for Hereditary cancer-predisposing syndrome. Last evaluated: 2023-03-23. Review status: criteria provided, single submitter. Criteria: Dines et al. (Genet Med. 2020). Collection method: curation. Allele origin: germline.
Comment: Missense variant in a coldspot region where missense variants are very unlikely to be pathogenic (PMID:31911673).

BRCA1 coldspot (exon 11 using historical exon numbering). Reclassification based on statistical prior probability

Labcorp Genetics (formerly Invitae), Labcorp
Classification: Uncertain significance for Hereditary breast ovarian cancer syndrome. Last evaluated: 2021-05-13. Review status: criteria provided, single submitter. Criteria: Invitae Variant Classification Sherloc (09022015). Collection method: clinical testing. Allele origin: germline.
Comment: This sequence change replaces arginine with glycine at codon 504 of the BRCA1 protein (p.Arg504Gly). The arginine residue is moderately conserved and there is a moderate physicochemical difference between arginine and glycine. This variant is not present in population databases (ExAC no frequency). In summary, the available evidence is currently insufficient to determine the role of this variant in disease. Therefore, it has been classified as a Variant of Uncertain Significance. Advanced modeling of protein sequence and biophysical properties (such as structural, functional, and spatial information, amino acid conservation, physicochemical variation, residue mobility, and thermodynamic stability) performed at Invitae indicates that this missense variant is not expected to disrupt BRCA1 protein function. This variant has not been reported in the literature in individuals with BRCA1-related conditions.

NM_007294.4(BRCA1):c.1510C>G (p.Arg504Gly)

Gene: BRCA1 (BRCA1 DNA repair associated; minus strand). Cytogenetic location: 17q21.31.
Variant type: single nucleotide variant.
Coding change: c.1510C>G on transcript NM_007294.4 (MANE Select); coding-DNA position 1510, C replaced by G.
Protein change: p.Arg504Gly; replaces arginine 504 with glycine.
Molecular consequence: missense variant. On other transcripts: intron variant (137).
Genome position (GRCh38, 1-based): chr17:43,094,021, G>C on the plus strand (C>G on the coding strand, the complement: BRCA1 is on the minus strand). VCF-style: chr17-43094021-G-C. GRCh37 (hg19) VCF-style: chr17-41246038-G-C.
Other names: c.1297C>G, p.Arg433Gly (NM_001407918.1, NM_001407571.1, NM_001407853.1 and 9 more transcripts); c.1387C>G, p.Arg463Gly (NM_001407919.1, NM_001407937.1, NM_001407938.1 and 19 more transcripts); c.1246C>G, p.Arg416Gly (NM_001407920.1, NM_001407921.1, NM_001407922.1 and 9 more transcripts); c.1369C>G, p.Arg457Gly (NM_001407945.1, NM_001407942.1, NM_001407944.1 and 29 more transcripts); c.1177C>G, p.Arg393Gly (NM_001407946.1, NM_001407947.1, NM_001407948.1 and 6 more transcripts); c.1243C>G, p.Arg415Gly (NM_001407931.1, NM_001407932.1, NM_001407930.1 and 2 more transcripts); c.1384C>G, p.Arg462Gly (NM_001407940.1, NM_001407941.1, NM_001407649.1 and 11 more transcripts); c.1366C>G, p.Arg456Gly (NM_001407943.1, NM_001407740.1, NM_001407741.1 and 20 more transcripts); and 40 more; short protein forms R457G, R504G, R208G, R392G, R415G, R434G, R436G, R456G.
Identifiers: ClinVar variation 1367693 (VCV001367693.11), dbSNP rs80357445, ClinGen allele CA10599023.